The following is an entry in ClinVar:

ClinVar aggregate classification (germline): Uncertain significance. Review status: criteria provided, multiple submitters, no conflicts (2 of 4 stars). 4 submissions from 4 submitters: Uncertain significance (4). Last evaluated 2024-11-27.

Conditions:
IFT140-related disorder. Also called: IFT140-related condition.
Saldino-Mainzer syndrome (SRTD9). Also called: SHORT-RIB THORACIC DYSPLASIA 9 WITHOUT POLYDACTYLY; CONORENAL SYNDROME; short-rib thoracic dysplasia 9 with or without polydactyly; Renal dysplasia, retinal pigmentary dystrophy, cerebellar ataxia and skeletal dysplasia. Identifiers: Orphanet 140969, MedGen C1849437, MONDO:0009964, OMIM 266920.
Retinitis pigmentosa 80 (RP80). Identifiers: MedGen C4540439, MONDO:0054708, OMIM 617781.

Allele frequency attached by ClinVar (database versions not stated): gnomAD exomes 0.00001 and 0.00002; TOPMed 0.00002; gnomAD 0.00001.
gnomAD v4.1: 11 of 1,611,936 alleles (0.00068%); highest among the groups gnomAD compares: Admixed American, 0.012%; no homozygotes.

Submissions (4):

PreventionGenetics, part of Exact Sciences
Classification: Uncertain significance for IFT140-related condition. Last evaluated: 2024-11-27. Review status: criteria provided, single submitter. Criteria: ACMG Guidelines, 2015. Collection method: clinical testing. Allele origin: germline.
Comment: The IFT140 c.1901+5G>A variant is predicted to interfere with splicing. This variant is predicted to alter splicing based on available splicing prediction programs (SpliceAI, Jaganathan et al. 2019. PubMed ID: 30661751). However, the use of computer prediction programs is not equivalent to functional evidence. To our knowledge, this variant has not been reported in the literature. This variant is reported in 0.017% of alleles in individuals of Latino descent in gnomAD. At this time, the clinical significance of this variant is uncertain due to the absence of conclusive functional and genetic evidence.

Fulgent Genetics
Classification: Uncertain significance for Saldino-Mainzer syndrome; Retinitis pigmentosa 80. Last evaluated: 2024-05-13. Review status: criteria provided, single submitter. Criteria: ACMG Guidelines, 2015. Collection method: clinical testing. Allele origin: germline.

Blueprint Genetics
Classification: Uncertain significance. Last evaluated: 2023-08-17. Review status: criteria provided, single submitter. Criteria: ACMG Guidelines, 2015. Collection method: clinical testing. Allele origin: germline.

Labcorp Genetics (formerly Invitae), Labcorp
Classification: Uncertain significance for Saldino-Mainzer syndrome. Last evaluated: 2022-08-03. Review status: criteria provided, single submitter. Criteria: Invitae Variant Classification Sherloc (09022015). Collection method: clinical testing. Allele origin: germline.
Comment: This sequence change falls in intron 16 of the IFT140 gene. It does not directly change the encoded amino acid sequence of the IFT140 protein. It affects a nucleotide within the consensus splice site. This variant is present in population databases (no rsID available, gnomAD 0.02%). This variant has not been reported in the literature in individuals affected with IFT140-related conditions. ClinVar contains an entry for this variant (Variation ID: 1006792). Variants that disrupt the consensus splice site are a relatively common cause of aberrant splicing (PMID: 17576681, 9536098). Algorithms developed to predict the effect of sequence changes on RNA splicing suggest that this variant may disrupt the consensus splice site. In summary, the available evidence is currently insufficient to determine the role of this variant in disease. Therefore, it has been classified as a Variant of Uncertain Significance.

Literature cited by the submitters: PubMed 17576681 (cited by Labcorp Genetics (formerly Invitae), Labcorp); PubMed 9536098 (cited by Labcorp Genetics (formerly Invitae), Labcorp).

NM_014714.4(IFT140):c.1901+5G>A

Gene: IFT140 (intraflagellar transport 140; minus strand). Cytogenetic location: 16p13.3.
Variant type: single nucleotide variant.
Coding change: c.1901+5G>A on transcript NM_014714.4 (MANE Select); 5 bases into the intron after coding-DNA position 1901, G replaced by A.
Molecular consequence: intron variant.
Genome position (GRCh38, 1-based): chr16:1,566,156, C>T on the plus strand (G>A on the coding strand, the complement: IFT140 is on the minus strand). VCF-style: chr16-1566156-C-T. GRCh37 (hg19) VCF-style: chr16-1616157-C-T.
Other names: c.1901+5G>A (NM_014714.3).
Identifiers: ClinVar variation 1006792 (VCV001006792.7), dbSNP rs999790368, ClinGen allele CA276660971.